The following is an entry in ClinVar:

ClinVar aggregate classification (germline): Likely pathogenic (1 of 4 stars; one submission).

Conditions:
Autosomal recessive nonsyndromic hearing loss 3. Also called: NEUROSENSORY NONSYNDROMIC RECESSIVE DEAFNESS 3. Identifiers: Orphanet 90636, MedGen C1838263, MONDO:0010860, OMIM 600316.

gnomAD v4.1: 6 of 1,613,894 alleles (0.00037%); highest among the groups gnomAD compares: Non-Finnish European, 0.00051%; no homozygotes.

Submission:

Victorian Clinical Genetics Services, Murdoch Childrens Research Institute
Classification: Likely pathogenic for Autosomal recessive nonsyndromic hearing loss 3. Last evaluated: 2025-05-13. Review status: criteria provided, single submitter. Criteria: ACMG Guidelines, 2015. Collection method: clinical testing. Allele origin: germline. Affected: yes.
Comment: This variant is classified as Likely pathogenic. Evidence in support of pathogenic classification: Variant is present in gnomAD <0.01 for a recessive condition (v4: 6 heterozygote(s), 0 homozygote(s)); Missense variant predicted to be damaging by in silico tool(s) or highly conserved with a major amino acid change; Heterozygous variant detected in trans with a PATHOGENIC heterozygous variant (NM_016239.4(MYO15A):c.4510del; p.(Val1504*)) in a recessive disease. Additional information: Variant is predicted to result in a missense amino acid change from tryptophan to cysteine; This variant is heterozygous; This gene is associated with autosomal recessive disease; This variant has no previous evidence of pathogenicity; No published segregation evidence has been identified for this variant; No published functional evidence has been identified for this variant; No comparable missense variants have previous evidence for pathogenicity; Variant is located in the annotated MyTH4 domain (DECIPHER); Loss of function is a known mechanism of disease in this gene and is associated with deafness, autosomal recessive 3 (MIM#600316).

NM_016239.4(MYO15A):c.6408G>C (p.Trp2136Cys)

Gene: MYO15A (myosin XVA; plus strand). Cytogenetic location: 17p11.2.
Variant type: single nucleotide variant.
Coding change: c.6408G>C on transcript NM_016239.4 (MANE Select); coding-DNA position 6408, G replaced by C.
Protein change: p.Trp2136Cys; replaces tryptophan 2136 with cysteine.
Molecular consequence: missense variant.
Genome position (GRCh38, 1-based): chr17:18,146,006, G>C. VCF-style: chr17-18146006-G-C. GRCh37 (hg19) VCF-style: chr17-18049320-G-C.
Other names: short protein forms W2136C.
Identifiers: ClinVar variation 4531640 (VCV004531640.1).